The following is an entry in ClinVar:

ClinVar aggregate classification (germline): Benign. Review status: criteria provided, multiple submitters, no conflicts (2 of 4 stars). 8 submissions from 8 submitters: Benign (6). 2 of the submissions do not count toward it. Last evaluated 2026-02-04.

Conditions:
Weill-Marchesani syndrome. Also called: WM Syndrome; Mesodermal dysmorphodystrophy congenital. Identifiers: Orphanet 3449, MedGen C0265313, MONDO:0018096.

Allele frequency attached by ClinVar (database versions not stated): 1000 Genomes Project 30x 0.18285; 1000 Genomes Project 0.18470; ExAC 0.20834; TOPMed 0.21091; ESP Exome Variant Server 0.21728; gnomAD 0.23173.
gnomAD v4.1: 343,588 of 1,613,782 alleles (21%); highest among the groups gnomAD compares: Admixed American, 23%; 37,409 homozygotes.

Submissions (8):

Labcorp Genetics (formerly Invitae), Labcorp
Classification: Benign. Last evaluated: 2026-02-04. Review status: criteria provided, single submitter. Criteria: Invitae Variant Classification Sherloc (09022015). Collection method: clinical testing. Allele origin: germline.

Blueprint Genetics
Classification: Benign. Last evaluated: 2024-11-28. Review status: criteria provided, single submitter. Criteria: ACMG Guidelines, 2015. Collection method: clinical testing. Allele origin: germline.

Mayo Clinic Laboratories, Mayo Clinic
Classification: Benign. Last evaluated: 2022-04-26. Review status: criteria provided, single submitter. Criteria: ACMG Guidelines, 2015. Collection method: clinical testing. Allele origin: germline. Observed: 296 variant alleles.

GeneDx
Classification: Benign. Last evaluated: 2018-04-19. Review status: criteria provided, single submitter. Criteria: GeneDx Variant Classification (06012015). Collection method: clinical testing. Allele origin: germline. Affected: yes.
Comment: This variant is considered likely benign or benign based on one or more of the following criteria: it is a conservative change, it occurs at a poorly conserved position in the protein, it is predicted to be benign by multiple in silico algorithms, and/or has population frequency not consistent with disease.

Illumina Laboratory Services, Illumina
Classification: Benign for Weill-Marchesani syndrome. Last evaluated: 2018-01-13. Review status: criteria provided, single submitter. Criteria: ICSL Variant Classification Criteria 13 December 2019. Collection method: clinical testing. Allele origin: germline.
Comment: This variant was observed in the ICSL laboratory as part of a predisposition screen in an ostensibly healthy population. It had not been previously curated by ICSL or reported in the Human Gene Mutation Database (HGMD: prior to June 1st, 2018), and was therefore a candidate for classification through an automated scoring system. Utilizing variant allele frequency, disease prevalence and penetrance estimates, and inheritance mode, an automated score was calculated to assess if this variant is too frequent to cause the disease. Based on the score and internal cut-off values, a variant classified as benign is not then subjected to further curation. The score for this variant resulted in a classification of benign for this disease.

Breakthrough Genomics
Classification: Benign. Review status: criteria provided, single submitter. Criteria: ACMG Guidelines, 2015. Collection method: not provided. Allele origin: germline. Inheritance: Autosomal recessive inheritance. Affected: yes.

Genome Diagnostics Laboratory, Amsterdam University Medical Center
Classification: Benign. Review status: no assertion criteria provided. Collection method: clinical testing. Allele origin: germline. Affected: yes. Study: VKGL Data-share Consensus. Not counted in ClinVar's aggregate classification.

Joint Genome Diagnostic Labs from Nijmegen and Maastricht, Radboudumc and MUMC+
Classification: Benign. Review status: no assertion criteria provided. Collection method: clinical testing. Allele origin: germline. Affected: yes. Study: VKGL Data-share Consensus. Not counted in ClinVar's aggregate classification.

NM_030957.4(ADAMTS10):c.2283T>C (p.Pro761=)

Gene: ADAMTS10 (ADAM metallopeptidase with thrombospondin type 1 motif 10; minus strand). Cytogenetic location: 19p13.2.
Variant type: single nucleotide variant.
Coding change: c.2283T>C on transcript NM_030957.4 (MANE Select); coding-DNA position 2283, T replaced by C.
Protein change: p.Pro761=; no amino-acid change (proline 761 retained).
Molecular consequence: synonymous variant.
Genome position (GRCh38, 1-based): chr19:8,586,678, A>G on the plus strand (T>C on the coding strand, the complement: ADAMTS10 is on the minus strand). VCF-style: chr19-8586678-A-G. GRCh37 (hg19) VCF-style: chr19-8651562-A-G.
Other names: p.Pro761=; c.744T>C, p.Pro248= (NM_001282352.2).
Identifiers: ClinVar variation 330587 (VCV000330587.20), dbSNP rs4476282, ClinGen allele CA9160147.